The following is an entry in ClinVar:

NM_000400.4(ERCC2):c.322G>A (p.Ala108Thr)

Gene: ERCC2 (ERCC excision repair 2, TFIIH core complex helicase subunit; minus strand). Cytogenetic location: 19q13.32.
Variant type: single nucleotide variant.
Coding change: c.322G>A on transcript NM_000400.4 (MANE Select); coding-DNA position 322, G replaced by A.
Protein change: p.Ala108Thr; replaces alanine 108 with threonine.
Molecular consequence: missense variant.
Genome position (GRCh38, 1-based): chr19:45,368,668, C>T on the plus strand (G>A on the coding strand, the complement: ERCC2 is on the minus strand). VCF-style: chr19-45368668-C-T. GRCh37 (hg19) VCF-style: chr19-45871926-C-T.
Other names: c.250G>A, p.Ala84Thr (NM_001130867.2); short protein forms A84T, A108T.
Identifiers: ClinVar variation 2176694 (VCV002176694.4), dbSNP rs771447173, ClinGen allele CA9513830.

ClinVar aggregate classification (germline): Uncertain significance. Review status: criteria provided, multiple submitters, no conflicts (2 of 4 stars). 2 submissions from 2 submitters: Uncertain significance (2). Last evaluated 2026-01-08.

Conditions:
Inborn genetic diseases. Identifiers: MedGen C0950123, MeSH D030342.

Allele frequency attached by ClinVar (database versions not stated): gnomAD 0.00001; TOPMed 0.00002; ExAC 0.00003.
gnomAD v4.1: 22 of 1,613,944 alleles (0.0014%); highest among the groups gnomAD compares: Non-Finnish European, 0.0013%; no homozygotes.

Submissions (2):

Labcorp Genetics (formerly Invitae), Labcorp
Classification: Uncertain significance. Last evaluated: 2026-01-08. Review status: criteria provided, single submitter. Criteria: Invitae Variant Classification Sherloc (09022015). Collection method: clinical testing. Allele origin: germline.
Comment: This sequence change replaces alanine, which is neutral and non-polar, with threonine, which is neutral and polar, at codon 108 of the ERCC2 protein (p.Ala108Thr). This variant is present in population databases (rs771447173, gnomAD 0.01%). This variant has not been reported in the literature in individuals affected with ERCC2-related conditions. ClinVar contains an entry for this variant (Variation ID: 2176694). Invitae Evidence Modeling of protein sequence and biophysical properties (such as structural, functional, and spatial information, amino acid conservation, physicochemical variation, residue mobility, and thermodynamic stability) indicates that this missense variant is not expected to disrupt ERCC2 protein function with a negative predictive value of 80%. In summary, the available evidence is currently insufficient to determine the role of this variant in disease. Therefore, it has been classified as a Variant of Uncertain Significance.

Ambry Genetics
Classification: Uncertain significance for Inborn genetic diseases. Last evaluated: 2022-11-06. Review status: criteria provided, single submitter. Criteria: Ambry Variant Classification Scheme 2023. Collection method: clinical testing. Allele origin: germline.
Comment: The p.A108T variant (also known as c.322G>A), located in coding exon 5 of the ERCC2 gene, results from a G to A substitution at nucleotide position 322. The alanine at codon 108 is replaced by threonine, an amino acid with similar properties. This amino acid position is conserved. In addition, the in silico prediction for this alteration is inconclusive. Since supporting evidence is limited at this time, the clinical significance of this alteration remains unclear.